The following is an entry in ClinVar:

ClinVar aggregate classification (germline): Pathogenic (1 of 4 stars; one submission).

Conditions:
Cerebral creatine deficiency syndrome. Also called: Creatine deficiency syndromes. Identifiers: Orphanet 79172, MedGen C5244016, MONDO:0000456.

Submission:

Labcorp Genetics (formerly Invitae), Labcorp
Classification: Pathogenic for Cerebral creatine deficiency syndrome. Last evaluated: 2020-07-23. Review status: criteria provided, single submitter. Criteria: Invitae Variant Classification Sherloc (09022015). Collection method: clinical testing. Allele origin: germline.
Comment: This sequence change results in a premature translational stop signal in the GAMT gene (p.Ser140Glyfs*50). While this is not anticipated to result in nonsense mediated decay, it is expected to disrupt the last 97 amino acids of the GAMT protein. This variant is not present in population databases (ExAC no frequency). This variant has not been reported in the literature in individuals with GAMT-related conditions. This variant disrupts the C-terminus of the GAMT protein. Other variant(s) that disrupt this region (p.Glu176*) have been determined to be pathogenic (Invitae). This suggests that variants that disrupt this region of the protein are likely to be causative of disease. For these reasons, this variant has been classified as Pathogenic.

NM_000156.6(GAMT):c.414_415del (p.Ser140fs)

Gene: GAMT (guanidinoacetate N-methyltransferase; minus strand). Cytogenetic location: 19p13.3.
Variant type: Deletion.
Coding change: c.414_415del on transcript NM_000156.6 (MANE Select); coding-DNA positions 414 to 415, 2 bases deleted (AC; older notation c.414_415delAC).
Protein change: p.Ser140fs; shifts the reading frame from serine 140.
Molecular consequence: frameshift variant.
Genome position (GRCh38, 1-based): chr19:1,399,172-1,399,173, GT deleted on the plus strand (AC on the coding strand, the reverse complement: GAMT is on the minus strand); deleting any 2 consecutive bases within chr19:1,399,172-1,399,174 gives the same sequence; the c. name uses the placement nearest the transcript's 3' end. VCF-style (leftmost placement, unchanged base first): chr19-1399171-AGT-A. GRCh37 (hg19) VCF-style: chr19-1399170-AGT-A.
Other names: c.414_415del, p.Ser140fs (NM_138924.3); short protein forms S140fs.
Identifiers: ClinVar variation 1076411 (VCV001076411.9), dbSNP rs2144636856, ClinGen allele CA2499225403.